The following is an entry in ClinVar:

NM_001178020.3(BEAN1):c.211C>T (p.Arg71Cys)

Gene: BEAN1 (brain expressed associated with NEDD4 1; plus strand). Cytogenetic location: 16q21.
Variant type: single nucleotide variant.
Coding change: c.211C>T on transcript NM_001178020.3 (MANE Select); coding-DNA position 211, C replaced by T.
Protein change: p.Arg71Cys; replaces arginine 71 with cysteine.
Molecular consequence: missense variant. On other transcripts: 5 prime UTR variant (2).
Genome position (GRCh38, 1-based): chr16:66,469,787, C>T. VCF-style: chr16-66469787-C-T. GRCh37 (hg19) VCF-style: chr16-66503690-C-T.
Other names: c.-117C>T (NM_001136106.5, NM_001197224.4); short protein forms R71C.
Identifiers: ClinVar variation 2646597 (VCV002646597.24), dbSNP rs1963399842, ClinGen allele CA396197606.

ClinVar aggregate classification (germline): Uncertain significance (1 of 4 stars; one submission).

Allele frequency attached by ClinVar (database versions not stated): gnomAD 0.00001.

Submission:

CeGaT Center for Human Genetics Tuebingen
Classification: Uncertain significance. Last evaluated: 2022-04-01. Review status: criteria provided, single submitter. Criteria: CeGaT Center For Human Genetics Tuebingen Variant Classification Criteria Version 2. Collection method: clinical testing. Allele origin: germline. Affected: yes. Observed: 1 variant allele.
Comment: BEAN1: PM2, BP4